The following is an entry in ClinVar:

NM_005612.5(REST):c.1316A>G (p.Asp439Gly)

Gene: REST (RE1 silencing transcription factor; plus strand). Cytogenetic location: 4q12.
Variant type: single nucleotide variant.
Coding change: c.1316A>G on transcript NM_005612.5 (MANE Select); coding-DNA position 1316, A replaced by G.
Protein change: p.Asp439Gly; replaces aspartic acid 439 with glycine.
Molecular consequence: missense variant.
Genome position (GRCh38, 1-based): chr4:56,930,174, A>G. VCF-style: chr4-56930174-A-G. GRCh37 (hg19) VCF-style: chr4-57796340-A-G.
Other names: c.1316A>G, p.Asp439Gly (NM_001193508.2, NM_001363453.3); short protein forms D439G.
Identifiers: ClinVar variation 3015268 (VCV003015268.3), dbSNP rs373407636, ClinGen allele CA97636413.

ClinVar aggregate classification (germline): Uncertain significance (1 of 4 stars; one submission).

Allele frequency attached by ClinVar (database versions not stated): gnomAD exomes below 0.00001; ESP Exome Variant Server 0.00008.
gnomAD v4.1: 5 of 1,611,698 alleles (0.00031%); highest among the groups gnomAD compares: Non-Finnish European, 0.00042%; no homozygotes.

Submission:

Labcorp Genetics (formerly Invitae), Labcorp
Classification: Uncertain significance. Last evaluated: 2023-06-16. Review status: criteria provided, single submitter. Criteria: Invitae Variant Classification Sherloc (09022015). Collection method: clinical testing. Allele origin: germline.
Comment: In summary, the available evidence is currently insufficient to determine the role of this variant in disease. Therefore, it has been classified as a Variant of Uncertain Significance. Algorithms developed to predict the effect of missense changes on protein structure and function output the following: SIFT: "Not Available"; PolyPhen-2: "Benign"; Align-GVGD: "Not Available". The glycine amino acid residue is found in multiple mammalian species, which suggests that this missense change does not adversely affect protein function. This variant has not been reported in the literature in individuals affected with REST-related conditions. This variant is not present in population databases (gnomAD no frequency). This sequence change replaces aspartic acid, which is acidic and polar, with glycine, which is neutral and non-polar, at codon 439 of the REST protein (p.Asp439Gly).